The following is an entry in ClinVar:

NM_004369.4(COL6A3):c.7623G>T (p.Leu2541Phe)

Gene: COL6A3 (collagen type VI alpha 3 chain; minus strand). Cytogenetic location: 2q37.3.
Variant type: single nucleotide variant.
Coding change: c.7623G>T on transcript NM_004369.4 (MANE Select); coding-DNA position 7623, G replaced by T.
Protein change: p.Leu2541Phe; replaces leucine 2541 with phenylalanine.
Molecular consequence: missense variant.
Genome position (GRCh38, 1-based): chr2:237,344,395, C>A on the plus strand (G>T on the coding strand, the complement: COL6A3 is on the minus strand). VCF-style: chr2-237344395-C-A. GRCh37 (hg19) VCF-style: chr2-238253038-C-A.
Other names: c.5802G>T, p.Leu1934Phe (NM_057166.5); c.7005G>T, p.Leu2335Phe (NM_057167.4); short protein forms L1934F, L2335F, L2541F.
Identifiers: ClinVar variation 4078400 (VCV004078400.2).
Genomic context (GRCh38, chr2:237,344,395, plus strand): 5'-GCACAGAGCACAGACCTGCAAAGCGTTGATGAGCTGCCGGTCTTCCTGCCTTGTAAGGAA[C>A]AAGGGGGTGATCCCCGCATCTGAGAGCTTGAGCACAGCCTCTCTGAGCTGTGGGGATGCT-3'
Protein context (NP_004360.2, residues 2531-2551): LKLSDAGITP[Leu2541Phe]FLTRQEDRQL

ClinVar aggregate classification (germline): Uncertain significance. Review status: criteria provided, multiple submitters, no conflicts (2 of 4 stars). 2 submissions from 2 submitters: Uncertain significance (2). Last evaluated 2025-06-12.

Conditions:
Bethlem myopathy 1A. Also called: MYOPATHY, BENIGN CONGENITAL, WITH CONTRACTURES; Bethlem myopathy 1; Bethlem Muscular Dystrophy. Identifiers: Orphanet 610, MedGen CN029274, MONDO:0024530, OMIM 158810.

gnomAD v4.1: 1 of 1,614,190 alleles (0.000062%); highest among the groups gnomAD compares: Non-Finnish European, 0.000085%; no homozygotes.

Submissions (2):

Revvity Omics, Revvity
Classification: Uncertain significance. Last evaluated: 2025-06-12. Review status: criteria provided, single submitter. Criteria: ACMG Guidelines, 2015. Collection method: clinical testing. Allele origin: germline.

Labcorp Genetics (formerly Invitae), Labcorp
Classification: Uncertain significance for Bethlem myopathy 1A. Last evaluated: 2025-05-22. Review status: criteria provided, single submitter. Criteria: Invitae Variant Classification Sherloc (09022015). Collection method: clinical testing. Allele origin: germline.
Comment: This sequence change replaces leucine, which is neutral and non-polar, with phenylalanine, which is neutral and non-polar, at codon 2541 of the COL6A3 protein (p.Leu2541Phe). This variant is not present in population databases (gnomAD no frequency). This variant has not been reported in the literature in individuals affected with COL6A3-related conditions. Invitae Evidence Modeling of protein sequence and biophysical properties (such as structural, functional, and spatial information, amino acid conservation, physicochemical variation, residue mobility, and thermodynamic stability) indicates that this missense variant is expected to disrupt COL6A3 protein function with a positive predictive value of 80%. In summary, the available evidence is currently insufficient to determine the role of this variant in disease. Therefore, it has been classified as a Variant of Uncertain Significance.